The following is an entry in ClinVar:

NM_080680.3(COL11A2):c.4291C>T (p.Arg1431Trp)

Gene: COL11A2 (collagen type XI alpha 2 chain; minus strand). Cytogenetic location: 6p21.32.
Variant type: single nucleotide variant.
Coding change: c.4291C>T on transcript NM_080680.3 (MANE Select); coding-DNA position 4291, C replaced by T.
Protein change: p.Arg1431Trp; replaces arginine 1431 with tryptophan.
Molecular consequence: missense variant.
Genome position (GRCh38, 1-based): chr6:33,166,767, G>A on the plus strand (C>T on the coding strand, the complement: COL11A2 is on the minus strand). VCF-style: chr6-33166767-G-A. GRCh37 (hg19) VCF-style: chr6-33134544-G-A.
Other names: c.3970C>T, p.Arg1324Trp (NM_080679.3); c.4033C>T, p.Arg1345Trp (NM_080681.3); short protein forms R1431W, R1324W, R1345W.
Identifiers: ClinVar variation 228535 (VCV000228535.19), dbSNP rs369126897, ClinGen allele CA3750147.

ClinVar aggregate classification (germline): Conflicting classifications of pathogenicity. Review status: criteria provided, conflicting classifications (1 of 4 stars). 5 submissions from 5 submitters: Uncertain significance (4); Likely benign (1). Last evaluated 2026-08-31.

Allele frequency attached by ClinVar (database versions not stated): gnomAD exomes 0.00004 and 0.00009; ExAC 0.00009; TOPMed 0.00011; ESP Exome Variant Server 0.00012; gnomAD 0.00012; 1000 Genomes Project 30x 0.00016; 1000 Genomes Project 0.00020.
gnomAD v4.1: 71 of 1,613,440 alleles (0.0044%); highest among the groups gnomAD compares: African/African-American, 0.036%; no homozygotes.

Submissions (5):

GeneDx
Classification: Uncertain significance. Last evaluated: 2026-08-31. Review status: criteria provided, single submitter. Criteria: GeneDx Variant Classification Process June 2021. Collection method: clinical testing. Allele origin: germline.
Comment: Has not been previously published as pathogenic or benign to our knowledge; In silico analysis supports that this missense variant has a deleterious effect on protein structure/function

Labcorp Genetics (formerly Invitae), Labcorp
Classification: Likely benign. Last evaluated: 2026-01-12. Review status: criteria provided, single submitter. Criteria: Invitae Variant Classification Sherloc (09022015). Collection method: clinical testing. Allele origin: germline.

Blueprint Genetics
Classification: Uncertain significance. Last evaluated: 2024-02-02. Review status: criteria provided, single submitter. Criteria: ACMG Guidelines, 2015. Collection method: clinical testing. Allele origin: germline.

Eurofins Ntd Llc (ga)
Classification: Uncertain significance. Last evaluated: 2017-05-01. Review status: criteria provided, single submitter. Criteria: EGL Classification Definitions 2015. Collection method: clinical testing. Allele origin: germline. Observed: 1 variant allele, 1 heterozygote.

Laboratory for Molecular Medicine, Mass General Brigham Personalized Medicine
Classification: Uncertain significance. Last evaluated: 2015-06-16. Review status: criteria provided, single submitter. Criteria: LMM Criteria. Collection method: clinical testing. Allele origin: germline. Observed: 1 variant allele.
Comment: The p.Arg1431Trp variant in COL11A2 has not been previously reported in individu als with hearing loss, but has been identified in 6/9192 African chromosomes by the Exome Aggregation Consortium (ExAC; dbSNP rs 369126897). Although this variant has been seen in the general population, its f requency is not high enough to rule out a pathogenic role. Computational predict ion tools and conservation analysis suggest that this variant may impact the pro tein, though this information is not predictive enough to determine pathogenicit y. In summary, the clinical significance of the p.Arg1431Trp variant is uncertai n.